The following is an entry in ClinVar:

NM_016006.6(ABHD5):c.*3253A>T

Gene: ABHD5 (abhydrolase domain containing 5, lysophosphatidic acid acyltransferase; plus strand). Cytogenetic location: 3p21.33.
Variant type: single nucleotide variant.
Coding change: c.*3253A>T on transcript NM_016006.6 (MANE Select); 3253 bases downstream of the stop codon, A replaced by T.
Molecular consequence: 3 prime UTR variant. On other transcripts: non-coding transcript variant (1), intron variant (1).
Genome position (GRCh38, 1-based): chr3:43,721,785, A>T. VCF-style: chr3-43721785-A-T. GRCh37 (hg19) VCF-style: chr3-43763277-A-T.
Other names: c.*3253A>T (NM_001365649.1); c.*3279A>T (NM_001365650.1); c.29+3224A>T (NM_001355186.2).
Identifiers: ClinVar variation 345273 (VCV000345273.5), dbSNP rs10433548, ClinGen allele CA10615916.

ClinVar aggregate classification (germline): Benign (1 of 4 stars; one submission).

Conditions:
Triglyceride storage disease with ichthyosis (CDS). Also called: Dorfman-Chanarin disease; ICHTHYOSIFORM ERYTHRODERMA WITH LEUKOCYTE VACUOLATION; TRIGLYCERIDE STORAGE DISEASE WITH IMPAIRED LONG-CHAIN FATTY ACID OXIDATION; Chanarin-Dorfman Syndrome. Identifiers: Orphanet 98907, MedGen C0268238, MONDO:0010155, OMIM 275630.

Allele frequency attached by ClinVar (database versions not stated): gnomAD 0.08092 and 0.08659; TOPMed 0.09212; 1000 Genomes Project 30x 0.13944; 1000 Genomes Project 0.14038.

Submission:

Illumina Laboratory Services, Illumina
Classification: Benign for Triglyceride storage disease with ichthyosis. Last evaluated: 2018-01-13. Review status: criteria provided, single submitter. Criteria: ICSL Variant Classification Criteria 13 December 2019. Collection method: clinical testing. Allele origin: germline.
Comment: This variant was observed in the ICSL laboratory as part of a predisposition screen in an ostensibly healthy population. It had not been previously curated by ICSL or reported in the Human Gene Mutation Database (HGMD: prior to June 1st, 2018), and was therefore a candidate for classification through an automated scoring system. Utilizing variant allele frequency, disease prevalence and penetrance estimates, and inheritance mode, an automated score was calculated to assess if this variant is too frequent to cause the disease. Based on the score and internal cut-off values, a variant classified as benign is not then subjected to further curation. The score for this variant resulted in a classification of benign for this disease.